The following is an entry in ClinVar:

ClinVar aggregate classification (germline): Uncertain significance (1 of 4 stars; one submission).

Conditions:
COG5-congenital disorder of glycosylation. Also called: CDG IIi; COG5-CDG; CONGENITAL DISORDER OF GLYCOSYLATION, TYPE IIi. Identifiers: Orphanet 263487, MedGen C3150876, MONDO:0013325, OMIM 613612.

gnomAD v4.1: 4 of 1,613,720 alleles (0.00025%); highest among the groups gnomAD compares: Non-Finnish European, 0.00034%; no homozygotes.

Submission:

Labcorp Genetics (formerly Invitae), Labcorp
Classification: Uncertain significance for COG5-congenital disorder of glycosylation. Last evaluated: 2025-08-28. Review status: criteria provided, single submitter. Criteria: Invitae Variant Classification Sherloc (09022015). Collection method: clinical testing. Allele origin: germline.
Comment: This sequence change replaces isoleucine, which is neutral and non-polar, with leucine, which is neutral and non-polar, at codon 99 of the COG5 protein (p.Ile99Leu). This variant is present in population databases (rs754721164, gnomAD 0.0009%). This variant has not been reported in the literature in individuals affected with COG5-related conditions. Invitae Evidence Modeling of protein sequence and biophysical properties (such as structural, functional, and spatial information, amino acid conservation, physicochemical variation, residue mobility, and thermodynamic stability) indicates that this missense variant is not expected to disrupt COG5 protein function with a negative predictive value of 80%. In summary, the available evidence is currently insufficient to determine the role of this variant in disease. Therefore, it has been classified as a Variant of Uncertain Significance.

NM_006348.5(COG5):c.202A>C (p.Ile68Leu)

Gene: COG5 (component of oligomeric golgi complex 5; minus strand). Cytogenetic location: 7q22.3.
Variant type: single nucleotide variant.
Coding change: c.202A>C on transcript NM_006348.5 (MANE Select); coding-DNA position 202, A replaced by C.
Protein change: p.Ile68Leu; replaces isoleucine 68 with leucine.
Molecular consequence: missense variant.
Genome position (GRCh38, 1-based): chr7:107,558,008, T>G on the plus strand (A>C on the coding strand, the complement: COG5 is on the minus strand). VCF-style: chr7-107558008-T-G. GRCh37 (hg19) VCF-style: chr7-107198453-T-G.
Other names: c.202A>C, p.Ile68Leu (NM_001161520.2, NM_001379511.1, NM_181733.4 and 5 more transcripts); short protein forms I68L.
Identifiers: ClinVar variation 4703885 (VCV004703885.1).
Genomic context (GRCh38, chr7:107,558,008, plus strand): 5'-CCATAGGGACCCAGAAGATCAGAATTACCTGTAAGTGTAGTTCTCTGTCCAACTGACTGA[T>G]TCCTTGGGCAAGTTTTGCTAGTTGTTCAGCAATTACAGCTTGATGAATAGATTGAGAAGT-3'
Protein context (NP_006339.4, residues 58-78): AEQLAKLAQG[Ile68Leu]SQLDRELHLQ